The following is an entry in ClinVar:

ClinVar aggregate classification (germline): Uncertain significance (1 of 4 stars; one submission).

Allele frequency attached by ClinVar (database versions not stated): TOPMed below 0.00001; gnomAD exomes 0.00002; ExAC 0.00007.
gnomAD v4.1: 33 of 1,614,096 alleles (0.002%); highest among the groups gnomAD compares: South Asian, 0.021%; no homozygotes.

Submission:

Labcorp Genetics (formerly Invitae), Labcorp
Classification: Uncertain significance. Last evaluated: 2023-06-02. Review status: criteria provided, single submitter. Criteria: Invitae Variant Classification Sherloc (09022015). Collection method: clinical testing. Allele origin: germline.
Comment: In summary, the available evidence is currently insufficient to determine the role of this variant in disease. Therefore, it has been classified as a Variant of Uncertain Significance. Advanced modeling of protein sequence and biophysical properties (such as structural, functional, and spatial information, amino acid conservation, physicochemical variation, residue mobility, and thermodynamic stability) performed at Invitae indicates that this missense variant is not expected to disrupt LIPC protein function. This variant has not been reported in the literature in individuals affected with LIPC-related conditions. This variant is present in population databases (rs773207252, gnomAD 0.03%). This sequence change replaces glycine, which is neutral and non-polar, with serine, which is neutral and polar, at codon 294 of the LIPC protein (p.Gly294Ser).

NM_000236.3(LIPC):c.880G>A (p.Gly294Ser)

Gene: LIPC (lipase C, hepatic type; plus strand). Cytogenetic location: 15q21.3.
Variant type: single nucleotide variant.
Coding change: c.880G>A on transcript NM_000236.3 (MANE Select); coding-DNA position 880, G replaced by A.
Protein change: p.Gly294Ser; replaces glycine 294 with serine.
Molecular consequence: missense variant.
Genome position (GRCh38, 1-based): chr15:58,548,401, G>A. VCF-style: chr15-58548401-G-A. GRCh37 (hg19) VCF-style: chr15-58840600-G-A.
Other names: short protein forms G294S.
Identifiers: ClinVar variation 2883042 (VCV002883042.3), dbSNP rs773207252, ClinGen allele CA7585032.